The following is an entry in ClinVar:

ClinVar aggregate classification (germline): Likely benign. Review status: criteria provided, multiple submitters, no conflicts (2 of 4 stars). 4 submissions from 4 submitters: Likely benign (4). Last evaluated 2026-01-25.

Conditions:
Familial cancer of breast. Also called: hereditary breast carcinoma; Hereditary breast cancer; BREAST CANCER, FAMILIAL. Identifiers: Orphanet 227535, MedGen C0346153, MONDO:0016419, OMIM 114480. Disease mechanism: loss of function.
Ataxia-telangiectasia syndrome (AT). Also called: Ataxia-telangiectasia, complementation group D; Ataxia-telangiectasia, complementation group E; LOUIS-BAR SYNDROME; AT, COMPLEMENTATION GROUP C; ATAXIA-TELANGIECTASIA, COMPLEMENTATION GROUP A; ATAXIA-TELANGIECTASIA, FRESNO VARIANT. Identifiers: Orphanet 100, MedGen C0004135, MONDO:0008840, OMIM 208900.
Hereditary cancer-predisposing syndrome. Also called: Neoplastic Syndromes, Hereditary; Hereditary neoplastic syndrome; Hereditary Cancer Syndrome; Tumor predisposition. Identifiers: Orphanet 140162, MedGen C0027672, MeSH D009386, MONDO:0015356.

Allele frequency attached by ClinVar (database versions not stated): TOPMed below 0.00001; gnomAD 0.00001; gnomAD exomes 0.00002; ExAC 0.00002.
gnomAD v4.1: 55 of 1,611,980 alleles (0.0034%); highest among the groups gnomAD compares: Non-Finnish European, 0.0044%; no homozygotes.

Submissions (4):

Labcorp Genetics (formerly Invitae), Labcorp
Classification: Likely benign for Ataxia-telangiectasia syndrome. Last evaluated: 2026-01-25. Review status: criteria provided, single submitter. Criteria: Invitae Variant Classification Sherloc (09022015). Collection method: clinical testing. Allele origin: germline.

Myriad Genetics, Inc.
Classification: Likely benign for Familial cancer of breast. Last evaluated: 2024-06-17. Review status: criteria provided, single submitter. Criteria: Myriad Autosomal Dominant, Autosomal Recessive and X-Linked Classification Criteria (2023). Collection method: clinical testing. Allele origin: unknown.
Comment: This variant is considered likely benign. This variant is intronic and is not expected to impact mRNA splicing.

Color Diagnostics, LLC DBA Color Health
Classification: Likely benign for Hereditary cancer-predisposing syndrome. Last evaluated: 2019-05-24. Review status: criteria provided, single submitter. Criteria: ACMG Guidelines, 2015. Collection method: clinical testing. Allele origin: germline.

GeneDx
Classification: Likely benign. Last evaluated: 2016-10-14. Review status: criteria provided, single submitter. Criteria: GeneDx Variant Classification (06012015). Collection method: clinical testing. Allele origin: germline. Affected: yes.
Comment: This variant is considered likely benign or benign based on one or more of the following criteria: it is a conservative change, it occurs at a poorly conserved position in the protein, it is predicted to be benign by multiple in silico algorithms, and/or has population frequency not consistent with disease.

NM_000051.4(ATM):c.7630-15G>T

Genes: ATM (ATM serine/threonine kinase; plus strand), C11orf65 (chromosome 11 open reading frame 65; minus strand). Cytogenetic location: 11q22.3.
Variant type: single nucleotide variant.
Coding change: c.7630-15G>T on transcript NM_000051.4 (MANE Select); 15 bases into the intron before coding-DNA position 7630, G replaced by T.
Molecular consequence: intron variant.
Genome position (GRCh38, 1-based): chr11:108,331,864, G>T. VCF-style: chr11-108331864-G-T. GRCh37 (hg19) VCF-style: chr11-108202591-G-T.
Other names: c.7630-15G>T (NM_001351834.2); c.641-22793C>A (NM_001330368.2); c.*38+3356C>A (NM_001351110.2).
Identifiers: ClinVar variation 382826 (VCV000382826.12), dbSNP rs773603597, ClinGen allele CA6266167.